The following is an entry in ClinVar:

GRCh38/hg38 7q36.3(chr7:157898696-158572709)x3

Genes: MIR595 (microRNA 595; minus strand), PTPRN2 (protein tyrosine phosphatase receptor type N2; minus strand), LOC110599567 (D7S22 minisatellite repeat instability region; plus strand), LOC113687208 (Sharpr-MPRA regulatory region 5343; plus strand), LOC114004407 (Sharpr-MPRA regulatory region 11620; plus strand) and 10 more. Cytogenetic location: 7q36.3.
Variant type: copy number gain.
Change: copy number 3 (three copies instead of two) of chr7:157,898,696-158,572,709 (674.0 kb, GRCh38 coordinates, 1-based), cytogenetic band 7q36.3.
Identifiers: ClinVar variation 58374 (VCV000058374.1).

ClinVar aggregate classification (germline): Uncertain significance (1 of 4 stars; one submission).

Submission:

ISCA site 15
Classification: Uncertain significance. Last evaluated: 2011-08-12. Review status: criteria provided, single submitter. Criteria: Kaminsky et al. (Genet Med. 2011). Collection method: clinical testing. Allele origin: unknown. Affected: yes. Observed: 1 variant allele.
Comment: Copy number variation identified through the course of routine clinical cytogenomic testing in postnatal populations. Clinical assertions have been curated as described in Kaminsky et al. 2011.